The following is an entry in ClinVar:

NM_001042424.3(NSD2):c.3373-60C>T

Gene: NSD2 (nuclear receptor binding SET domain protein 2; plus strand). Cytogenetic location: 4p16.3.
Variant type: single nucleotide variant.
Coding change: c.3373-60C>T on transcript NM_001042424.3 (MANE Select); 60 bases into the intron before coding-DNA position 3373, C replaced by T.
Molecular consequence: intron variant.
Genome position (GRCh38, 1-based): chr4:1,974,803, C>T. VCF-style: chr4-1974803-C-T. GRCh37 (hg19) VCF-style: chr4-1976530-C-T.
Other names: c.3373-60C>T (NM_133330.3, NM_133331.3, NM_133335.4).
Identifiers: ClinVar variation 2654584 (VCV002654584.24), dbSNP rs150150439, ClinGen allele CA2812755.

ClinVar aggregate classification (germline): Benign (1 of 4 stars; one submission).

Allele frequency attached by ClinVar (database versions not stated): 1000 Genomes Project 0.00479; 1000 Genomes Project 30x 0.00547; gnomAD 0.00746; TOPMed 0.00773; ExAC 0.00902; ESP Exome Variant Server 0.01012.
gnomAD v4.1: 13,392 of 1,607,198 alleles (0.83%); highest among the groups gnomAD compares: Middle Eastern, 3.8%; 103 homozygotes.

Submission:

CeGaT Center for Human Genetics Tuebingen
Classification: Benign. Last evaluated: 2026-10-01. Review status: criteria provided, single submitter. Criteria: CeGaT Center For Human Genetics Tuebingen Variant Classification Criteria Version 2. Collection method: clinical testing. Allele origin: germline. Affected: yes. Observed: 26 variant alleles.
Comment: NSD2: PP2, BS1, BS2